The following is an entry in ClinVar:

ClinVar aggregate classification (germline): Pathogenic (1 of 4 stars; one submission).

Conditions:
Charcot-Marie-Tooth disease type 2. Also called: Charcot-Marie-Tooth type 2. Identifiers: Orphanet 64746, MedGen C0270914, MONDO:0018993.

Submission:

Labcorp Genetics (formerly Invitae), Labcorp
Classification: Pathogenic for Charcot-Marie-Tooth disease type 2. Last evaluated: 2019-05-29. Review status: criteria provided, single submitter. Criteria: Invitae Variant Classification Sherloc (09022015). Collection method: clinical testing. Allele origin: germline.
Comment: A gross deletion of the genomic region encompassing the full coding sequence of the LMNA gene has been identified. The boundaries of this event are unknown as the deletion extends beyond the assayed region for this gene and therefore may encompass additional genes. This variant has not been reported in the literature in individuals with LMNA-related disease. Loss-of-function variants in LMNA are known to be pathogenic (PMID: 18585512, 18926329). For these reasons, this variant has been classified as Pathogenic.

NC_000001.11:g.(?_156114919)_(156243162_?)del

Genes: PMF1 (polyamine modulated factor 1; plus strand), PMF1-BGLAP (PMF1-BGLAP readthrough; plus strand), SEMA4A (semaphorin 4A; plus strand), SLC25A44 (solute carrier family 25 member 44; plus strand), BGLAP (bone gamma-carboxyglutamate protein; plus strand) and 20 more. Cytogenetic location: 1q22.
Variant type: Deletion.
Identifiers: ClinVar variation 665025 (VCV000665025.2).